The following is an entry in ClinVar:

NM_001081.4(CUBN):c.10265C>T (p.Thr3422Ile)

Gene: CUBN (cubilin; minus strand). Cytogenetic location: 10p13.
Variant type: single nucleotide variant.
Coding change: c.10265C>T on transcript NM_001081.4 (MANE Select); coding-DNA position 10265, C replaced by T.
Protein change: p.Thr3422Ile; replaces threonine 3422 with isoleucine.
Molecular consequence: missense variant.
Genome position (GRCh38, 1-based): chr10:16,835,111, G>A on the plus strand (C>T on the coding strand, the complement: CUBN is on the minus strand). VCF-style: chr10-16835111-G-A. GRCh37 (hg19) VCF-style: chr10-16877110-G-A.
Other names: short protein forms T3422I.
Identifiers: ClinVar variation 299364 (VCV000299364.48), dbSNP rs1801230, ClinGen allele CA5422425.

ClinVar aggregate classification (germline): Benign. Review status: criteria provided, multiple submitters, no conflicts (2 of 4 stars). 7 submissions from 7 submitters: Benign (7). Last evaluated 2026-08-01.

Conditions:
Imerslund-Grasbeck syndrome type 1 (IGS1). Also called: MEGALOBLASTIC ANEMIA, 1; Imerslund-Gräsbeck syndrome 1; Megaloblastic anemia 1, Finnish type. Identifiers: MedGen C4016819, MONDO:0100156, OMIM 261100.
Imerslund-Grasbeck syndrome. Also called: Megaloblastic anemia due to inborn errors of metabolism; Imerslund-Gräsbeck syndrome; ENTEROCYTE COBALAMIN MALABSORPTION; ENTEROCYTE INTRINSIC FACTOR RECEPTOR, DEFECT OF; PERNICIOUS ANEMIA, JUVENILE, DUE TO SELECTIVE INTESTINAL MALABSORPTION OF VITAMIN B12, WITH PROTEINURIA. Identifiers: Orphanet 35858, MedGen C4551825, MONDO:0009853.

Allele frequency attached by ClinVar (database versions not stated): 1000 Genomes Project 0.00819; 1000 Genomes Project 30x 0.00906; gnomAD 0.01655 and 0.01713; gnomAD exomes 0.01754 and 0.02406; TOPMed 0.01765; ExAC 0.01832; ESP Exome Variant Server 0.02130.

Submissions (7):

CeGaT Center for Human Genetics Tuebingen
Classification: Benign. Last evaluated: 2026-08-01. Review status: criteria provided, single submitter. Criteria: CeGaT Center For Human Genetics Tuebingen Variant Classification Criteria Version 2. Collection method: clinical testing. Allele origin: germline. Affected: yes. Observed: 13 variant alleles.
Comment: CUBN: BP4, BS1, BS2

Labcorp Genetics (formerly Invitae), Labcorp
Classification: Benign for Imerslund-Grasbeck syndrome. Last evaluated: 2026-01-27. Review status: criteria provided, single submitter. Criteria: Invitae Variant Classification Sherloc (09022015). Collection method: clinical testing. Allele origin: germline.

ARUP Laboratories, Molecular Genetics and Genomics, ARUP Laboratories
Classification: Benign. Last evaluated: 2025-01-27. Review status: criteria provided, single submitter. Criteria: ARUP Molecular Germline Variant Investigation Process 2024. Collection method: clinical testing. Allele origin: germline.

Mayo Clinic Laboratories, Mayo Clinic
Classification: Benign. Last evaluated: 2023-12-29. Review status: criteria provided, single submitter. Criteria: ACMG Guidelines, 2015. Collection method: clinical testing. Allele origin: germline. Observed: 10 variant alleles.
Comment: BS1, BS2, BP4

GeneDx
Classification: Benign. Last evaluated: 2020-02-26. Review status: criteria provided, single submitter. Criteria: GeneDx Variant Classification Process June 2021. Collection method: clinical testing. Allele origin: germline. Affected: yes.
Comment: This variant is associated with the following publications: (PMID: 26827111)

Illumina Laboratory Services, Illumina
Classification: Benign for Imerslund-Grasbeck syndrome type 1. Last evaluated: 2018-01-13. Review status: criteria provided, single submitter. Criteria: ICSL Variant Classification Criteria 13 December 2019. Collection method: clinical testing. Allele origin: germline.
Comment: This variant was observed in the ICSL laboratory as part of a predisposition screen in an ostensibly healthy population. It had not been previously curated by ICSL or reported in the Human Gene Mutation Database (HGMD: prior to June 1st, 2018), and was therefore a candidate for classification through an automated scoring system. Utilizing variant allele frequency, disease prevalence and penetrance estimates, and inheritance mode, an automated score was calculated to assess if this variant is too frequent to cause the disease. Based on the score and internal cut-off values, a variant classified as benign is not then subjected to further curation. The score for this variant resulted in a classification of benign for this disease.

Breakthrough Genomics
Classification: Benign. Review status: criteria provided, single submitter. Criteria: ACMG Guidelines, 2015. Collection method: not provided. Allele origin: germline. Inheritance: Autosomal recessive inheritance. Affected: yes.

Literature cited by the submitters: PubMed 10080186 (cited by Mayo Clinic Laboratories, Mayo Clinic); PubMed 26827111 (cited by Mayo Clinic Laboratories, Mayo Clinic); PubMed 31947599 (cited by Mayo Clinic Laboratories, Mayo Clinic).